The following is an entry in ClinVar:

NM_198150.3(ARSK):c.1047A>G (p.Leu349=)

Genes: ARSK (arylsulfatase family member K; plus strand), LOC126807455 (P300/CBP strongly-dependent group 1 enhancer GRCh37_chr5:94926949-94928148; plus strand). Cytogenetic location: 5q15.
Variant type: single nucleotide variant.
Coding change: c.1047A>G on transcript NM_198150.3 (MANE Select); coding-DNA position 1047, A replaced by G.
Protein change: p.Leu349=; no amino-acid change (leucine 349 retained).
Molecular consequence: synonymous variant.
Genome position (GRCh38, 1-based): chr5:95,591,576, A>G. VCF-style: chr5-95591576-A-G. GRCh37 (hg19) VCF-style: chr5-94927280-A-G.
Identifiers: ClinVar variation 4822312 (VCV004822312.4).

ClinVar aggregate classification (germline): Likely benign (1 of 4 stars; one submission).

gnomAD v4.1: 8 of 1,614,052 alleles (0.0005%); highest among the groups gnomAD compares: East Asian, 0.0022%; no homozygotes.

Submission:

CeGaT Center for Human Genetics Tuebingen
Classification: Likely benign. Last evaluated: 2025-12-01. Review status: criteria provided, single submitter. Criteria: CeGaT Center For Human Genetics Tuebingen Variant Classification Criteria Version 2. Collection method: clinical testing. Allele origin: germline. Affected: yes. Observed: 1 variant allele.
Comment: ARSK: BP4, BP7